The following is an entry in ClinVar:

ClinVar aggregate classification (germline): Uncertain significance. Review status: criteria provided, multiple submitters, no conflicts (2 of 4 stars). 2 submissions from 2 submitters: Uncertain significance (2). Last evaluated 2025-06-17.

Conditions:
Arrhythmogenic right ventricular dysplasia 5. Also called: ARRHYTHMOGENIC RIGHT VENTRICULAR DYSPLASIA, FAMILIAL, 5; Arrhythmogenic Right Ventricular Dysplasia/Cardiomyopathy 5. Identifiers: MedGen C1858379, MONDO:0011459, OMIM 604400.
Cardiomyopathy (CMYO). Also called: Cardiomyopathies. Identifiers: Orphanet 167848, MedGen C0878544, MONDO:0004994, HP:0001638. Inheritance: Various modes of inheritance.

Allele frequency attached by ClinVar (database versions not stated): gnomAD exomes below 0.00001.

Submissions (2):

Color Diagnostics, LLC DBA Color Health
Classification: Uncertain significance for Cardiomyopathy. Last evaluated: 2025-06-17. Review status: criteria provided, single submitter. Criteria: ACMG Guidelines, 2015. Collection method: clinical testing. Allele origin: germline.
Comment: This missense variant replaces aspartic acid with glycine at codon 270 of the TMEM43 protein. Computational prediction suggests that this variant may not impact protein structure and function. To our knowledge, functional studies have not been reported for this variant. This variant has not been reported in individuals affected with TMEM43-related disorders in the literature. This variant has not been identified in the general population by the Genome Aggregation Database (gnomAD). The available evidence is insufficient to determine the role of this variant in disease conclusively. Therefore, this variant is classified as a Variant of Uncertain Significance.

Labcorp Genetics (formerly Invitae), Labcorp
Classification: Uncertain significance for Arrhythmogenic right ventricular dysplasia 5. Last evaluated: 2022-11-22. Review status: criteria provided, single submitter. Criteria: Invitae Variant Classification Sherloc (09022015). Collection method: clinical testing. Allele origin: germline.
Comment: This sequence change replaces aspartic acid, which is acidic and polar, with glycine, which is neutral and non-polar, at codon 270 of the TMEM43 protein (p.Asp270Gly). This variant is present in population databases (no rsID available, gnomAD 0.0009%). This variant has not been reported in the literature in individuals affected with TMEM43-related conditions. ClinVar contains an entry for this variant (Variation ID: 1026384). Advanced modeling of protein sequence and biophysical properties (such as structural, functional, and spatial information, amino acid conservation, physicochemical variation, residue mobility, and thermodynamic stability) performed at Invitae indicates that this missense variant is not expected to disrupt TMEM43 protein function. In summary, the available evidence is currently insufficient to determine the role of this variant in disease. Therefore, it has been classified as a Variant of Uncertain Significance.

NM_024334.3(TMEM43):c.809A>G (p.Asp270Gly)

Gene: TMEM43 (transmembrane protein 43; plus strand). Cytogenetic location: 3p25.1.
Variant type: single nucleotide variant.
Coding change: c.809A>G on transcript NM_024334.3 (MANE Select); coding-DNA position 809, A replaced by G.
Protein change: p.Asp270Gly; replaces aspartic acid 270 with glycine.
Molecular consequence: missense variant.
Genome position (GRCh38, 1-based): chr3:14,135,835, A>G. VCF-style: chr3-14135835-A-G. GRCh37 (hg19) VCF-style: chr3-14177335-A-G.
Other names: short protein forms D270G.
Identifiers: ClinVar variation 1026384 (VCV001026384.6), dbSNP rs1201367358, ClinGen allele CA351535911.